The following is an entry in ClinVar:

NM_014363.6(SACS):c.3745del (p.Gln1249fs)

Gene: SACS (sacsin molecular chaperone; minus strand). Cytogenetic location: 13q12.12.
Variant type: Deletion.
Coding change: c.3745del on transcript NM_014363.6 (MANE Select); coding-DNA position 3745, one base deleted (C; older notation c.3745delC).
Protein change: p.Gln1249fs; shifts the reading frame from glutamine 1249.
Molecular consequence: frameshift variant.
Genome position (GRCh38, 1-based): chr13:23,340,131, G deleted on the plus strand (C on the coding strand, the reverse complement: SACS is on the minus strand); the first of 2 consecutive G bases (chr13:23,340,131-23,340,132); deleting either gives the same sequence. VCF-style (leftmost placement, unchanged base first): chr13-23340130-TG-T. GRCh37 (hg19) VCF-style: chr13-23914269-TG-T.
Other names: c.3304del, p.Gln1102fs (NM_001278055.2); c.3772del, p.Gln1258fs (NM_001437336.1); short protein forms Q1102fs, Q1249fs, Q1258fs.
Identifiers: ClinVar variation 4682470 (VCV004682470.1).

ClinVar aggregate classification (germline): Likely pathogenic (1 of 4 stars; one submission).

Submission:

Athena Diagnostics
Classification: Likely pathogenic. Last evaluated: 2025-06-20. Review status: criteria provided, single submitter. Criteria: Athena Diagnostics Criteria. Collection method: clinical testing. Allele origin: unknown.
Comment: This variant is expected to result in the loss of a functional protein. This variant has not been reported in large, multi-ethnic general populations.